The following is an entry in ClinVar:

NM_144672.4(OTOA):c.1909T>C (p.Ser637Pro)

Gene: OTOA (otoancorin). Cytogenetic location: 16p12.2.
Variant type: single nucleotide variant.
Coding change: c.1909T>C on transcript NM_144672.4 (MANE Select); coding-DNA position 1909, T replaced by C.
Protein change: p.Ser637Pro; replaces serine 637 with proline.
Molecular consequence: missense variant.
Genome position (GRCh38, 1-based): chr16:21,726,551, T>C. VCF-style: chr16-21726551-T-C. GRCh37 (hg19) VCF-style: chr16-21737872-T-C.
Other names: c.1909T>C (NM_144672.3); c.1672T>C, p.Ser558Pro (NM_001161683.2); c.937T>C, p.Ser313Pro (NM_170664.3); short protein forms S313P, S637P, S558P.
Identifiers: ClinVar variation 1906388 (VCV001906388.7), dbSNP rs200269833, ClinGen allele CA7952848.
Genomic context (GRCh38, chr16:21,726,551, plus strand): 5'-TTCCTCCTCTTGTTCTCCCCATCTCTCTCCAGGGCCCGCTACCTGGCTTCTGTCCCAGCC[T>C]CCCAGTGTGTGCCCTTTCTGATCAGCCTGGGGAAGAGCTGGTTGGACTCCTTGGTTTTAG-3'
Protein context (NP_653273.3, residues 627-647): PARYLASVPA[Ser637Pro]QCVPFLISLG

ClinVar aggregate classification (germline): Uncertain significance. Review status: criteria provided, multiple submitters, no conflicts (2 of 4 stars). 4 submissions from 4 submitters: Uncertain significance (4). Last evaluated 2026-07-01.

Conditions:
OTOA-related disorder. Also called: OTOA-related condition.
Inborn genetic diseases. Identifiers: MedGen C0950123, MeSH D030342.

Allele frequency attached by ClinVar (database versions not stated): gnomAD exomes 0.00006; ExAC 0.00007; TOPMed 0.00008; gnomAD 0.00013; ESP Exome Variant Server 0.00031.
gnomAD v4.1: 99 of 1,613,924 alleles (0.0061%); highest among the groups gnomAD compares: Non-Finnish European, 0.0081%; no homozygotes.

Submissions (4):

PreventionGenetics, part of Exact Sciences
Classification: Uncertain significance for OTOA-related condition. Last evaluated: 2026-07-01. Review status: criteria provided, single submitter. Criteria: ACMG Guidelines, 2015. Collection method: clinical testing. Allele origin: germline.
Comment: The OTOA c.1909T>C variant is predicted to result in the amino acid substitution p.Ser637Pro. To our knowledge, this variant has not been reported in the literature. This variant is reported in 0.019% of alleles in individuals of European (Non-Finnish) descent in gnomAD. At this time, the clinical significance of this variant is uncertain due to the absence of conclusive functional and genetic evidence.

Labcorp Genetics (formerly Invitae), Labcorp
Classification: Uncertain significance. Last evaluated: 2024-09-06. Review status: criteria provided, single submitter. Criteria: Invitae Variant Classification Sherloc (09022015). Collection method: clinical testing. Allele origin: germline.
Comment: This sequence change replaces serine, which is neutral and polar, with proline, which is neutral and non-polar, at codon 637 of the OTOA protein (p.Ser637Pro). This variant is present in population databases (rs200269833, gnomAD 0.02%). This variant has not been reported in the literature in individuals affected with OTOA-related conditions. ClinVar contains an entry for this variant (Variation ID: 1906388). An algorithm developed to predict the effect of missense changes on protein structure and function (PolyPhen-2) suggests that this variant is likely to be tolerated. In summary, the available evidence is currently insufficient to determine the role of this variant in disease. Therefore, it has been classified as a Variant of Uncertain Significance.

Ambry Genetics
Classification: Uncertain significance for Inborn genetic diseases. Last evaluated: 2023-11-29. Review status: criteria provided, single submitter. Criteria: Ambry Variant Classification Scheme 2023. Collection method: clinical testing. Allele origin: germline.

GeneDx
Classification: Uncertain significance. Last evaluated: 2023-06-02. Review status: criteria provided, single submitter. Criteria: GeneDx Variant Classification Process June 2021. Collection method: clinical testing. Allele origin: germline. Affected: yes.
Comment: In silico analysis supports that this missense variant does not alter protein structure/function; Has not been previously published as pathogenic or benign to our knowledge